The following is an entry in ClinVar:

ClinVar aggregate classification (germline): Uncertain significance (1 of 4 stars; one submission).

Conditions:
Glycogen storage disease IXa1. Also called: LIVER GLYCOGENOSIS, X-LINKED, TYPE I; GLYCOGEN STORAGE DISEASE VIII; GSD VIII; Glycogen storage disease 8. Identifiers: Orphanet 264580, MedGen C3694531, MONDO:0010598, OMIM 306000.

gnomAD v4.1: 1 of 1,210,718 alleles (0.000083%); highest among the groups gnomAD compares: Non-Finnish European, 0.00011%; no homozygotes.

Submission:

Juno Genomics, Hangzhou Juno Genomics, Inc
Classification: Uncertain significance for Glycogen storage disease IXa1. Review status: criteria provided, single submitter. Criteria: ACMG Guidelines, 2015. Collection method: clinical testing. Allele origin: germline.
Comment: Absent from controls (or at extremely low frequency if recessive) in Genome Aggregation Database.;Multiple lines of computational evidence support a deleterious effect on the gene or gene product.

NM_000292.3(PHKA2):c.1605C>G (p.Asp535Glu)

Gene: PHKA2 (phosphorylase kinase regulatory subunit alpha 2; minus strand). Cytogenetic location: Xp22.13.
Variant type: single nucleotide variant.
Coding change: c.1605C>G on transcript NM_000292.3 (MANE Select); coding-DNA position 1605, C replaced by G.
Protein change: p.Asp535Glu; replaces aspartic acid 535 with glutamic acid.
Molecular consequence: missense variant.
Genome position (GRCh38, 1-based): chrX:18,924,490, G>C on the plus strand (C>G on the coding strand, the complement: PHKA2 is on the minus strand). VCF-style: chrX-18924490-G-C. GRCh37 (hg19) VCF-style: chrX-18942608-G-C.
Other names: c.1605C>G, p.Asp535Glu (NM_001440800.1, NM_001440801.1, NM_001440805.1); c.1506C>G, p.Asp502Glu (NM_001440802.1, NM_001440803.1, NM_001440804.1); short protein forms D502E, D535E.
Identifiers: ClinVar variation 5018658 (VCV005018658.2).
Genomic context (GRCh38, chrX:18,924,490, plus strand): 5'-CCTCCAGCAGGTGCACAGGTAGGCCAGCTCGATCCTTAGCATCTCCACGATCATCTCATT[G>C]TCGAGGGCCAGGTAGAAGTGATGCTGGTCGGTGAACTGAAAGTCAGAGGAGGCTGGGTAA-3'
Protein context (NP_000283.1, residues 525-545): TDQHHFYLAL[Asp535Glu]NEMIVEMLRI